The following is an entry in ClinVar:

ClinVar aggregate classification (germline): Likely benign (1 of 4 stars; one submission).

Allele frequency attached by ClinVar (database versions not stated): gnomAD 0.00001; TOPMed 0.00002; gnomAD exomes below 0.00001.
gnomAD v4.1: 4 of 1,242,354 alleles (0.00032%); highest among the groups gnomAD compares: African/African-American, 0.0062%; no homozygotes.

Submission:

GeneDx
Classification: Likely benign. Last evaluated: 2018-02-06. Review status: criteria provided, single submitter. Criteria: GeneDx Variant Classification (06012015). Collection method: clinical testing. Allele origin: germline. Affected: yes.
Comment: This variant is considered likely benign or benign based on one or more of the following criteria: it is a conservative change, it occurs at a poorly conserved position in the protein, it is predicted to be benign by multiple in silico algorithms, and/or has population frequency not consistent with disease.

NM_001035.3(RYR2):c.-46G>A

Gene: RYR2 (ryanodine receptor 2; plus strand). Cytogenetic location: 1q43.
Variant type: single nucleotide variant.
Coding change: c.-46G>A on transcript NM_001035.3 (MANE Select); 46 bases upstream of the start codon, G replaced by A.
Molecular consequence: 5 prime UTR variant.
Genome position (GRCh38, 1-based): chr1:237,042,476, G>A. VCF-style: chr1-237042476-G-A. GRCh37 (hg19) VCF-style: chr1-237205776-G-A.
Other names: c.-46G>A (LRG_402t1).
Identifiers: ClinVar variation 390734 (VCV000390734.1), dbSNP rs953865083, ClinGen allele CA16603619.
Genomic context (GRCh38, chr1:237,042,476, plus strand): 5'-AGCCCCCGGCTCCCGGCAGCAGAAGCAGAAGGCAGCGCCAGGGGCCGCCGCCGCCGCCGA[G>A]CTCCGCGGGGCTCGGGAGCCGGCCCCGGCGAGGAGGCGCGGAACCATGGCCGATGGGGGC-3'